The following is an entry in ClinVar:

NC_000011.9:g.(?_103112236)_(103116123_?)del

Gene: DYNC2H1 (dynein cytoplasmic 2 heavy chain 1; plus strand). Cytogenetic location: 11q22.3.
Variant type: Deletion.
Identifiers: ClinVar variation 3244567 (VCV003244567.1).

ClinVar aggregate classification (germline): Pathogenic (1 of 4 stars; one submission).

Conditions:
Jeune thoracic dystrophy. Also called: Jeune's syndrome; Chondroectodermal dysplasia-like syndrome; Short-rib thoracic dysplasia; Jeune syndrome; Infantile thoracic dystrophy; Thoracic pelvic phalangeal dystrophy. Identifiers: Orphanet 474, MedGen C0265275, MONDO:0018770.

Submission:

Labcorp Genetics (formerly Invitae), Labcorp
Classification: Pathogenic for Jeune thoracic dystrophy. Last evaluated: 2023-10-25. Review status: criteria provided, single submitter. Criteria: Invitae Variant Classification Sherloc (09022015). Collection method: clinical testing. Allele origin: unknown.
Comment: This variant is a gross deletion of the genomic region encompassing exon(s) 64-66 of the DYNC2H1 gene. This deletion is out-of-frame, and is expected to create a premature termination codon and result in an absent or disrupted protein product. Loss-of-function variants in DYNC2H1 are known to be pathogenic (PMID: 23339108, 32753734, 33755199). This variant has not been reported in the literature in individuals affected with DYNC2H1-related conditions. For these reasons, this variant has been classified as Pathogenic.

Literature cited by the submitters: PubMed 23339108; PubMed 32753734; PubMed 33755199.